The following is an entry in ClinVar:

NM_006904.7(PRKDC):c.2179G>T (p.Ala727Ser)

Gene: PRKDC (protein kinase, DNA-activated, catalytic subunit; minus strand). Cytogenetic location: 8q11.21.
Variant type: single nucleotide variant.
Coding change: c.2179G>T on transcript NM_006904.7 (MANE Select); coding-DNA position 2179, G replaced by T.
Protein change: p.Ala727Ser; replaces alanine 727 with serine.
Molecular consequence: missense variant.
Genome position (GRCh38, 1-based): chr8:47,927,851, C>A on the plus strand (G>T on the coding strand, the complement: PRKDC is on the minus strand). VCF-style: chr8-47927851-C-A. GRCh37 (hg19) VCF-style: chr8-48840411-C-A.
Other names: c.2179G>T, p.Ala727Ser (NM_001081640.2); short protein forms A727S.
Identifiers: ClinVar variation 3225781 (VCV003225781.1), dbSNP rs2090178903, ClinGen allele CA371162754.

ClinVar aggregate classification (germline): Uncertain significance (1 of 4 stars; one submission).

Submission:

Ambry Genetics
Classification: Uncertain significance. Last evaluated: 2023-11-08. Review status: criteria provided, single submitter. Criteria: Ambry Variant Classification Scheme 2023. Collection method: clinical testing. Allele origin: germline.
Comment: The p.A727S variant (also known as c.2179G>T), located in coding exon 20 of the PRKDC gene, results from a G to T substitution at nucleotide position 2179. The alanine at codon 727 is replaced by serine, an amino acid with similar properties. This amino acid position is conserved. In addition, this alteration is predicted to be tolerated by in silico analysis. Since supporting evidence is limited at this time, the clinical significance of this alteration remains unclear.